The following is an entry in ClinVar:

NM_000400.4(ERCC2):c.1078G>A (p.Gly360Ser)

Gene: ERCC2 (ERCC excision repair 2, TFIIH core complex helicase subunit; minus strand). Cytogenetic location: 19q13.32.
Variant type: single nucleotide variant.
Coding change: c.1078G>A on transcript NM_000400.4 (MANE Select); coding-DNA position 1078, G replaced by A.
Protein change: p.Gly360Ser; replaces glycine 360 with serine.
Molecular consequence: missense variant.
Genome position (GRCh38, 1-based): chr19:45,363,783, C>T on the plus strand (G>A on the coding strand, the complement: ERCC2 is on the minus strand). VCF-style: chr19-45363783-C-T. GRCh37 (hg19) VCF-style: chr19-45867041-C-T.
Other names: c.1006G>A, p.Gly336Ser (NM_001130867.2); short protein forms G360S, G336S.
Identifiers: ClinVar variation 1785497 (VCV001785497.2), dbSNP rs1405713948, ClinGen allele CA406372267.
Genomic context (GRCh38, chr19:45,363,783, plus strand): 5'-CGCGCTGTCTGGGGCCGCACCTGAGGGGCTTGCGCTGGATGCACACGCGCTGGGCCAGGC[C>T]GCTCAGGAAGGCGGGCGGGCTCTCCTGCACCACATGCTGCACACGCAGCCGCCACTTCAC-3'
Protein context (NP_000391.1, residues 350-370): VQESPPAFLS[Gly360Ser]LAQRVCIQRK

ClinVar aggregate classification (germline): Uncertain significance (1 of 4 stars; one submission).

Conditions:
Inborn genetic diseases. Identifiers: MedGen C0950123, MeSH D030342.

Allele frequency attached by ClinVar (database versions not stated): TOPMed below 0.00001.

Submission:

Ambry Genetics
Classification: Uncertain significance for Inborn genetic diseases. Last evaluated: 2021-09-23. Review status: criteria provided, single submitter. Criteria: Ambry Variant Classification Scheme 2023. Collection method: clinical testing. Allele origin: germline.
Comment: The p.G360S variant (also known as c.1078G>A), located in coding exon 11 of the ERCC2 gene, results from a G to A substitution at nucleotide position 1078. The glycine at codon 360 is replaced by serine, an amino acid with similar properties. This amino acid position is conserved. In addition, this alteration is predicted to be tolerated by in silico analysis. Since supporting evidence is limited at this time, the clinical significance of this alteration remains unclear.